The following is an entry in ClinVar:

NM_016151.4(TAOK2):c.251G>A (p.Arg84Gln)

Gene: TAOK2 (TAO kinase 2; plus strand). Cytogenetic location: 16p11.2.
Variant type: single nucleotide variant.
Coding change: c.251G>A on transcript NM_016151.4 (MANE Select); coding-DNA position 251, G replaced by A.
Protein change: p.Arg84Gln; replaces arginine 84 with glutamine.
Molecular consequence: missense variant.
Genome position (GRCh38, 1-based): chr16:29,978,298, G>A. VCF-style: chr16-29978298-G-A. GRCh37 (hg19) VCF-style: chr16-29989619-G-A.
Other names: c.251G>A (NM_016151.3); c.251G>A, p.Arg84Gln (NM_001252043.2, NM_004783.4); short protein forms R84Q.
Identifiers: ClinVar variation 1126577 (VCV001126577.11), dbSNP rs150712108, ClinGen allele CA7997755.

ClinVar aggregate classification (germline): Likely benign. Review status: criteria provided, multiple submitters, no conflicts (2 of 4 stars). 3 submissions from 3 submitters: Likely benign (3). Last evaluated 2026-02-01.

Conditions:
TAOK2-related disorder. Also called: TAOK2-related condition.

Allele frequency attached by ClinVar (database versions not stated): 1000 Genomes Project 30x 0.00016; 1000 Genomes Project 0.00020; TOPMed 0.00057; gnomAD exomes 0.00061 and 0.00086; gnomAD 0.00062 and 0.00063; ExAC 0.00074; ESP Exome Variant Server 0.00092.
gnomAD v4.1: 971 of 1,614,086 alleles (0.06%); highest among the groups gnomAD compares: Middle Eastern, 0.2%; 2 homozygotes.

Submissions (3):

Labcorp Genetics (formerly Invitae), Labcorp
Classification: Likely benign. Last evaluated: 2026-02-01. Review status: criteria provided, single submitter. Criteria: Invitae Variant Classification Sherloc (09022015). Collection method: clinical testing. Allele origin: germline.

PreventionGenetics, part of Exact Sciences
Classification: Likely benign for TAOK2-related condition. Last evaluated: 2025-03-16. Review status: criteria provided, single submitter. Criteria: ACMG Guidelines, 2015. Collection method: clinical testing. Allele origin: germline.
Comment: This variant is classified as likely benign based on ACMG/AMP sequence variant interpretation guidelines (Richards et al. 2015 PMID: 25741868, with internal and published modifications).

Breakthrough Genomics
Classification: Likely benign. Review status: criteria provided, single submitter. Criteria: ACMG Guidelines, 2015. Collection method: not provided. Allele origin: germline. Inheritance: Unknown mechanism. Affected: yes.